The following is an entry in ClinVar:

ClinVar aggregate classification (germline): Likely pathogenic. Review status: criteria provided, multiple submitters, no conflicts (2 of 4 stars). 2 submissions from 2 submitters: Likely pathogenic (2). Last evaluated 2025-07-29.

Conditions:
Glycogen storage disease, type V (GSD5). Also called: MCARDLE DISEASE; MUSCLE GLYCOGEN PHOSPHORYLASE DEFICIENCY; MYOPHOSPHORYLASE DEFICIENCY; PYGM DEFICIENCY; McArdle type glycogen storage disease. Identifiers: Orphanet 368, MedGen C0017924, MONDO:0009293, OMIM 232600.

Submissions (2):

Natera, Inc.
Classification: Likely pathogenic for Glycogen storage disease V. Last evaluated: 2025-07-29. Review status: criteria provided, single submitter. Criteria: Natera Variant Classification Schema (03/2026). Collection method: clinical testing. Allele origin: germline.
Comment: The c.254_257del variant in PYGM is a frameshift variant predicted to shift the reading frame beginning at codon 85 and leads to a stop codon 3 codons downstream. This variant is expected to result in nonsense mediated decay, truncation, or a dysfunctional protein product. This variant is rare in the general population with a frequency below the threshold expected for the associated phenotype(s). Given the available evidence, this variant is classified as Likely Pathogenic.

Revvity Omics, Revvity
Classification: Likely pathogenic for Glycogen storage disease, type V. Last evaluated: 2021-03-25. Review status: criteria provided, single submitter. Criteria: ACMG Guidelines, 2015. Collection method: clinical testing. Allele origin: germline.

NM_005609.4(PYGM):c.254_257del (p.Tyr85fs)

Gene: PYGM (glycogen phosphorylase, muscle associated; minus strand). Cytogenetic location: 11q13.1.
Variant type: Deletion.
Coding change: c.254_257del on transcript NM_005609.4 (MANE Select); coding-DNA positions 254 to 257, 4 bases deleted (ACCT; older notation c.254_257delACCT).
Protein change: p.Tyr85fs; shifts the reading frame from tyrosine 85.
Molecular consequence: frameshift variant. On other transcripts: intron variant (1).
Genome position (GRCh38, 1-based): chr11:64,758,691-64,758,694, AGGT deleted on the plus strand (ACCT on the coding strand, the reverse complement: PYGM is on the minus strand); deleting any 4 consecutive bases within chr11:64,758,691-64,758,696 gives the same sequence; the c. name uses the placement nearest the transcript's 3' end. VCF-style (leftmost placement, unchanged base first): chr11-64758690-CAGGT-C. GRCh37 (hg19) VCF-style: chr11-64526162-CAGGT-C.
Other names: c.254_257del (NM_005609.3); c.244-428_244-425del (NM_001164716.1); short protein forms Y85fs.
Identifiers: ClinVar variation 1324976 (VCV001324976.5), dbSNP rs2135840945, ClinGen allele CA2573053536.